The following is an entry in ClinVar:

NM_001142966.3(GREB1L):c.3596C>A (p.Ser1199Tyr)

Gene: GREB1L (GREB1 like retinoic acid receptor coactivator; plus strand). Cytogenetic location: 18q11.1.
Variant type: single nucleotide variant.
Coding change: c.3596C>A on transcript NM_001142966.3 (MANE Select); coding-DNA position 3596, C replaced by A.
Protein change: p.Ser1199Tyr; replaces serine 1199 with tyrosine.
Molecular consequence: missense variant.
Genome position (GRCh38, 1-based): chr18:21,499,933, C>A. VCF-style: chr18-21499933-C-A. GRCh37 (hg19) VCF-style: chr18-19079894-C-A.
Other names: c.3725C>A, p.Ser1242Tyr (NM_001410867.1); c.3269C>A, p.Ser1090Tyr (NM_001410868.1); short protein forms S1090Y, S1199Y, S1242Y.
Identifiers: ClinVar variation 5018156 (VCV005018156.1).

ClinVar aggregate classification (germline): Uncertain significance (1 of 4 stars; one submission).

gnomAD v4.1: 6 of 1,550,378 alleles (0.00039%); highest among the groups gnomAD compares: Non-Finnish European, 0.00052%; no homozygotes.

Submission:

GeneDx
Classification: Uncertain significance. Last evaluated: 2026-04-05. Review status: criteria provided, single submitter. Criteria: GeneDx Variant Classification Process June 2021. Collection method: clinical testing. Allele origin: germline.
Comment: Not observed at significant frequency in large population cohorts (gnomAD); In silico analysis supports that this missense variant has a deleterious effect on protein structure/function; Has not been previously published as pathogenic or benign to our knowledge